The following is an entry in ClinVar:

NM_000092.5(COL4A4):c.736-13dup

Gene: COL4A4 (collagen type IV alpha 4 chain; minus strand). Cytogenetic location: 2q36.3.
Variant type: Duplication.
Coding change: c.736-13dup on transcript NM_000092.5 (MANE Select); 13 bases into the intron before coding-DNA position 736, one base duplicated (T; older notation c.736-13dupT).
Molecular consequence: intron variant.
Genome position (GRCh38, 1-based): chr2:227,104,056, A duplicated on the plus strand (T on the coding strand, the reverse complement: COL4A4 is on the minus strand); the first of 10 consecutive A bases (chr2:227,104,056-227,104,065); duplicating any one gives the same sequence. VCF-style (leftmost placement, unchanged base first): chr2-227104055-T-TA. GRCh37 (hg19) VCF-style: chr2-227968771-T-TA.
Other names: c.736-4dup (NM_000092.4, NM_000092.5).
Identifiers: ClinVar variation 770880 (VCV000770880.11), dbSNP rs750699545, ClinGen allele CA2145441.

ClinVar aggregate classification (germline): Conflicting classifications of pathogenicity. Review status: criteria provided, conflicting classifications (1 of 4 stars). 3 submissions from 3 submitters: Uncertain significance (1); Benign (1); Likely benign (1). Last evaluated 2026-01-28.

Conditions:
Benign familial hematuria. Also called: thin basement membrane disease. Identifiers: MedGen C0241908, MONDO:0957317.

Submissions (3):

Labcorp Genetics (formerly Invitae), Labcorp
Classification: Benign. Last evaluated: 2026-01-28. Review status: criteria provided, single submitter. Criteria: Invitae Variant Classification Sherloc (09022015). Collection method: clinical testing. Allele origin: germline.

Blueprint Genetics
Classification: Likely benign. Last evaluated: 2024-11-26. Review status: criteria provided, single submitter. Criteria: ACMG Guidelines, 2015. Collection method: clinical testing. Allele origin: germline.

Neuberg Centre For Genomic Medicine, NCGM
Classification: Uncertain significance for Hematuria, benign familial, 1. Review status: criteria provided, single submitter. Criteria: ACMG Guidelines, 2015. Collection method: clinical testing. Allele origin: germline. Inheritance: Autosomal dominant inheritance. Affected: yes.
Comment: The variant c.736-4dup in COL4A4 has not been reported previously as a pathogenic variant nor as a benign variant, to our knowledge. The variant is novel (not in any individuals) in GnomAD and 1000 Genomes. The variant is not reported in CLINVAR database. It is not reported previously in affected indviduals. For these reasons, this variant has been classified as uncertain significance.